The following is an entry in ClinVar:

NM_001927.4(DES):c.343C>T (p.Leu115Phe)

Gene: DES (desmin; plus strand). Cytogenetic location: 2q35.
Variant type: single nucleotide variant.
Coding change: c.343C>T on transcript NM_001927.4 (MANE Select); coding-DNA position 343, C replaced by T.
Protein change: p.Leu115Phe; replaces leucine 115 with phenylalanine.
Molecular consequence: missense variant.
Genome position (GRCh38, 1-based): chr2:219,418,805, C>T. VCF-style: chr2-219418805-C-T. GRCh37 (hg19) VCF-style: chr2-220283527-C-T.
Other names: c.343C>T, p.Leu115Phe (NM_001382708.1, NM_001382709.1, NM_001382710.1 and 3 more transcripts); short protein forms L115F.
Identifiers: ClinVar variation 1916236 (VCV001916236.5), dbSNP rs1954372352, ClinGen allele CA350685389.

ClinVar aggregate classification (germline): Pathogenic (1 of 4 stars; one submission).

Conditions:
Desmin-related myofibrillar myopathy (MFM1). Also called: MYOFIBRILLAR MYOPATHY WITH ARRHYTHMOGENIC RIGHT VENTRICULAR CARDIOMYOPATHY; DESMIN-RELATED MYOPATHY WITH ARRHYTHMOGENIC RIGHT VENTRICULAR CARDIOMYOPATHY; Desminopathy; Desmin related myopathy (former name); Desmin storage myopathy (former name); Myofibrillar myopathy 1. Identifiers: Orphanet 363543, Orphanet 98909, MedGen C1832370, MONDO:0011076, OMIM 601419.

Allele frequency attached by ClinVar (database versions not stated): TOPMed below 0.00001; gnomAD 0.00001.
gnomAD v4.1: 1 of 1,573,410 alleles (0.000064%); highest among the groups gnomAD compares: Non-Finnish European, 0.000086%; no homozygotes.

Submission:

Labcorp Genetics (formerly Invitae), Labcorp
Classification: Pathogenic for Desmin-related myofibrillar myopathy. Last evaluated: 2025-08-11. Review status: criteria provided, single submitter. Criteria: Invitae Variant Classification Sherloc (09022015). Collection method: clinical testing. Allele origin: germline.
Comment: This sequence change replaces leucine, which is neutral and non-polar, with phenylalanine, which is neutral and non-polar, at codon 115 of the DES protein (p.Leu115Phe). This variant is not present in population databases (gnomAD no frequency). This missense change has been observed in individuals with cardiac conduction disease and/or clinical features of autosomal dominant arrhythmogenic cardiomyopathy and/or dilated cardiomyopathy (PMID: 31835587; internal data). ClinVar contains an entry for this variant (Variation ID: 1916236). Invitae Evidence Modeling of protein sequence and biophysical properties (such as structural, functional, and spatial information, amino acid conservation, physicochemical variation, residue mobility, and thermodynamic stability) indicates that this missense variant is expected to disrupt DES protein function with a positive predictive value of 95%. Experimental studies have shown that this missense change affects DES function (PMID: 31835587). This variant disrupts the p.Leu115 amino acid residue in DES. Other variant(s) that disrupt this residue have been determined to be pathogenic (PMID: 33290826). This suggests that this residue is clinically significant, and that variants that disrupt this residue are likely to be disease-causing. For these reasons, this variant has been classified as Pathogenic.

Literature cited by the submitters: PubMed 31835587; PubMed 33290826.